The following is an entry in ClinVar:

ClinVar aggregate classification (germline): Likely benign (1 of 4 stars; one submission).

Conditions:
Tuberous sclerosis 1 (TSC1). Identifiers: Orphanet 805, MedGen C1854465, MONDO:0008612, OMIM 191100.

Submission:

Myriad Genetics, Inc.
Classification: Likely benign for Tuberous sclerosis 1. Last evaluated: 2025-04-10. Review status: criteria provided, single submitter. Criteria: Myriad Autosomal Dominant, Autosomal Recessive and X-Linked Classification Criteria (2023). Collection method: clinical testing. Allele origin: unknown.
Comment: This variant is considered likely benign. This variant is intronic and is not expected to impact mRNA splicing.

NM_000368.5(TSC1):c.1997+7G>C

Gene: TSC1 (TSC complex subunit 1; minus strand). Cytogenetic location: 9q34.13.
Variant type: single nucleotide variant.
Coding change: c.1997+7G>C on transcript NM_000368.5 (MANE Select); 7 bases into the intron after coding-DNA position 1997, G replaced by C.
Molecular consequence: intron variant.
Genome position (GRCh38, 1-based): chr9:132,905,574, C>G on the plus strand (G>C on the coding strand, the complement: TSC1 is on the minus strand). VCF-style: chr9-132905574-C-G. GRCh37 (hg19) VCF-style: chr9-135780961-C-G.
Other names: c.1631+7G>C (NM_001406620.1, NM_001406625.1, NM_001406621.1 and 2 more transcripts); c.1634+7G>C (NM_001406618.1, NM_001406617.1, NM_001362177.2 and 5 more transcripts); c.1841+7G>C (NM_001406613.1, NM_001406612.1, NM_001406611.1); c.1844+7G>C (NM_001406610.1, NM_001162427.2); c.1043+7G>C (NM_001406627.1, NM_001406628.1); c.944+7G>C (NM_001406629.1, NM_001406630.1); c.1994+7G>C (NM_001406603.1, NM_001406609.1, NM_001406597.1 and 6 more transcripts); c.1997+7G>C (NM_001406602.1, NM_001406606.1, NM_001406592.1 and 7 more transcripts); and 1 more.
Identifiers: ClinVar variation 4071027 (VCV004071027.1).
Genomic context (GRCh38, chr9:132,905,574, plus strand): 5'-TTACACTTTCTGTACTTCACAATAAAATGGACCATTTAACACAGAAGAGAGTGCCCCAGT[C>G]CCTTACTTGTTCAGCTCCTTGCTGTGCGCGTCTGCTCCCTGCTGTATCAGTCTGTCCAGC-3'